The following is an entry in ClinVar:

ClinVar aggregate classification (germline): Conflicting classifications of pathogenicity. Review status: criteria provided, conflicting classifications (1 of 4 stars). 7 submissions from 6 submitters: Uncertain significance (1); Benign (2); Likely benign (4). Last evaluated 2025-05-06.

Conditions:
Wolfram syndrome 1 (WFS1). Identifiers: Orphanet 3463, MedGen C4551693, MONDO:0009101, OMIM 222300.
Autosomal dominant nonsyndromic hearing loss 6 (LFSNHL). Also called: DEAFNESS, AUTOSOMAL DOMINANT 14; DEAFNESS, AUTOSOMAL DOMINANT 38; Autosomal dominant nonsyndromic deafness 6; DEAFNESS, AUTOSOMAL DOMINANT 6. Identifiers: Orphanet 90635, MedGen C1833021, MONDO:0010963, OMIM 600965.
WFS1-Related Spectrum Disorders.

Allele frequency attached by ClinVar (database versions not stated): gnomAD below 0.00001 and 0.00005; TOPMed 0.00003; gnomAD exomes 0.00014 and 0.00026; ExAC 0.00097.
gnomAD v4.1: 213 of 1,585,786 alleles (0.013%); highest among the groups gnomAD compares: South Asian, 0.21%; 1 homozygote.

Submissions (7):

Labcorp Genetics (formerly Invitae), Labcorp
Classification: Benign. Last evaluated: 2025-05-06. Review status: criteria provided, single submitter. Criteria: Invitae Variant Classification Sherloc (09022015). Collection method: clinical testing. Allele origin: germline.

Blueprint Genetics
Classification: Likely benign. Last evaluated: 2024-06-14. Review status: criteria provided, single submitter. Criteria: ACMG Guidelines, 2015. Collection method: clinical testing. Allele origin: germline.

GeneDx
Classification: Likely benign. Last evaluated: 2018-12-12. Review status: criteria provided, single submitter. Criteria: GeneDx Variant Classification Process June 2021. Collection method: clinical testing. Allele origin: germline. Affected: yes.

Illumina Laboratory Services, Illumina
Classification: Likely benign for Autosomal dominant nonsyndromic hearing loss 6. Last evaluated: 2018-01-13. Review status: criteria provided, single submitter. Criteria: ICSL Variant Classification Criteria 13 December 2019. Collection method: clinical testing. Allele origin: germline.
Comment: This variant was observed in the ICSL laboratory as part of a predisposition screen in an ostensibly healthy population. It had not been previously curated by ICSL or reported in the Human Gene Mutation Database (HGMD: prior to June 1st, 2018), and was therefore a candidate for classification through an automated scoring system. Utilizing variant allele frequency, disease prevalence and penetrance estimates, and inheritance mode, an automated score was calculated to assess if this variant is too frequent to cause the disease. Based on the score and internal cut-off values, a variant classified as likely benign is not then subjected to further curation. The score for this variant resulted in a classification of likely benign for this disease.

Illumina Laboratory Services, Illumina
Classification: Uncertain significance for WFS1-Related Spectrum Disorders. Last evaluated: 2018-01-13. Review status: criteria provided, single submitter. Criteria: ICSL Variant Classification Criteria 13 December 2019. Collection method: clinical testing. Allele origin: germline.

Eurofins Ntd Llc (ga)
Classification: Likely benign. Last evaluated: 2016-07-14. Review status: criteria provided, single submitter. Criteria: EGL Classification Definitions 2015. Collection method: clinical testing. Allele origin: germline. Observed: 1 variant allele, 1 heterozygote.

Clinical Genomics, Uppaluri K&H Personalized Medicine Clinic
Classification: Benign for Wolfram syndrome 1. Review status: criteria provided, single submitter. Criteria: K & H Uppaluri Personalized Medicine Clinic Variant Classification & Assertion Criteria_Updated V.1. Collection method: research. Allele origin: unknown. Inheritance: Autosomal recessive inheritance.
Comment: Potent mutations in WFS1 gene are associated with Wolfram's syndrome, an autosomal recessive condition, which cause diabetes mellitus, diabetes insipidus, deafness and optic atrophy. However no sufficient evidence is found to ascertain the role of this particular variant rs531593902 in Wolfram's syndrome yet.

Literature cited by the submitters: PubMed 20738327 (cited by Clinical Genomics, Uppaluri K&H Personalized Medicine Clinic); PubMed 33879153 (cited by Clinical Genomics, Uppaluri K&H Personalized Medicine Clinic); PubMed 12955714 (cited by Clinical Genomics, Uppaluri K&H Personalized Medicine Clinic); PubMed 18060660 (cited by Clinical Genomics, Uppaluri K&H Personalized Medicine Clinic); PubMed 20301750 (cited by Clinical Genomics, Uppaluri K&H Personalized Medicine Clinic); PubMed 17603484 (cited by Clinical Genomics, Uppaluri K&H Personalized Medicine Clinic).

NM_006005.3(WFS1):c.114C>T (p.Ser38=)

Gene: WFS1 (wolframin ER transmembrane glycoprotein; plus strand). Cytogenetic location: 4p16.1.
Variant type: single nucleotide variant.
Coding change: c.114C>T on transcript NM_006005.3 (MANE Select); coding-DNA position 114, C replaced by T.
Protein change: p.Ser38=; no amino-acid change (serine 38 retained).
Molecular consequence: synonymous variant.
Genome position (GRCh38, 1-based): chr4:6,277,569, C>T. VCF-style: chr4-6277569-C-T. GRCh37 (hg19) VCF-style: chr4-6279296-C-T.
Other names: c.114C>T, p.Ser38= (NM_001145853.1).
Identifiers: ClinVar variation 289017 (VCV000289017.20), dbSNP rs531593902, ClinGen allele CA2838798.
Genomic context (GRCh38, chr4:6,277,569, plus strand): 5'-ACCGCAGCCCCAGGCGCGTTCCCGACTCAATGCCACAGCCTCGTTGGAGCAGGAGAGGAG[C>T]GAAAGGCCCCGAGCACCCGGACCCCAGGCTGGCCCTGGCCCTGGTGTTAGAGACGCAGCG-3'
Protein context (NP_005996.2, residues 28-48): NATASLEQER[Ser38=]ERPRAPGPQA